The following is an entry in ClinVar:

ClinVar aggregate classification (germline): Conflicting classifications of pathogenicity. Review status: criteria provided, conflicting classifications (1 of 4 stars). 3 submissions from 3 submitters: Likely pathogenic (2); Uncertain significance (1). Last evaluated 2026-03-12.

Conditions:
NOTCH3-related disorder. Also called: NOTCH3-related disorders; NOTCH3-related condition.

Allele frequency attached by ClinVar (database versions not stated): gnomAD exomes below 0.00001.
gnomAD v4.1: 3 of 1,429,816 alleles (0.00021%); highest among the groups gnomAD compares: Non-Finnish European, 0.00018%; no homozygotes.

Submissions (3):

PreventionGenetics, part of Exact Sciences
Classification: Likely pathogenic for NOTCH3-related condition. Last evaluated: 2026-03-12. Review status: criteria provided, single submitter. Criteria: ACMG Guidelines, 2015. Collection method: clinical testing. Allele origin: germline.
Comment: The NOTCH3 c.3944G>A variant is predicted to result in the amino acid substitution p.Cys1315Tyr. This variant has been reported in the heterozygous and homozygous states in individuals with CADASIL (Valenti et al. 2011. PubMed ID: 21409506; Ragno et al. 2021. PubMed ID: 34739617). This variant has not been reported in a large population database (gnomAD), indicating it is rare. This variant has conflicting interpretations of uncertain and likely pathogenic in ClinVar (Variation ID: 1678475). Most CADASIL causing variants in the NOTCH3 gene result in the gain or loss of one or more cysteine residues in the extracellular domain of the protein, as seen in this patient. This patient’s variant alters a cysteine residue and is located in the extracellular EGF-like domain 33. Pathogenic variants in EGF-like domains 1-6 appear to be fully penetrant and are usually associated with the classical CADASIL phenotype. However, there is variability in disease severity. Pathogenic variants in EGF-like domains 7-34 have a much higher population frequency, and can predispose to a milder small-vessel disease, possibly even displaying incomplete or at least very late onset complete penetrance (OMIM #125310; Rutten et al. 2016. PubMed ID: 27844030; Rutten et al. 2019. PubMed ID: 30032161). This variant is interpreted as likely pathogenic for CADASIL.

Mayo Clinic Laboratories, Mayo Clinic
Classification: Likely pathogenic. Last evaluated: 2023-03-24. Review status: criteria provided, single submitter. Criteria: ACMG Guidelines, 2015. Collection method: clinical testing. Allele origin: germline. Observed: 1 variant allele.
Comment: PP2, PP3, PM1, PM2

AiLife Diagnostics
Classification: Uncertain significance. Last evaluated: 2021-06-19. Review status: criteria provided, single submitter. Criteria: ACMG Guidelines, 2015. Collection method: clinical testing. Allele origin: germline. Affected: yes. Observed: 1 variant allele.

Literature cited by the submitters: PubMed 21409506 (cited by Mayo Clinic Laboratories, Mayo Clinic and AiLife Diagnostics); PubMed 29780132 (cited by Mayo Clinic Laboratories, Mayo Clinic); PubMed 34739617 (cited by Mayo Clinic Laboratories, Mayo Clinic); PubMed 36221938 (cited by Mayo Clinic Laboratories, Mayo Clinic).

NM_000435.3(NOTCH3):c.3944G>A (p.Cys1315Tyr)

Gene: NOTCH3 (notch receptor 3; minus strand). Cytogenetic location: 19p13.12.
Variant type: single nucleotide variant.
Coding change: c.3944G>A on transcript NM_000435.3 (MANE Select); coding-DNA position 3944, G replaced by A.
Protein change: p.Cys1315Tyr; replaces cysteine 1315 with tyrosine.
Molecular consequence: missense variant.
Genome position (GRCh38, 1-based): chr19:15,177,984, C>T on the plus strand (G>A on the coding strand, the complement: NOTCH3 is on the minus strand). VCF-style: chr19-15177984-C-T. GRCh37 (hg19) VCF-style: chr19-15288795-C-T.
Other names: p.Cys1315Tyr; c.3944G>A (NM_000435.2); short protein forms C1315Y.
Identifiers: ClinVar variation 1678475 (VCV001678475.3), dbSNP rs1432396805, ClinGen allele CA404506018.